The following is an entry in ClinVar:

ClinVar aggregate classification (germline): Conflicting classifications of pathogenicity. Review status: criteria provided, conflicting classifications (1 of 4 stars). 8 submissions from 8 submitters: Uncertain significance (5); Benign (1). 2 of the submissions do not count toward it. Last evaluated 2025-11-27.

Conditions:
Fanconi anemia (FA). Also called: Fanconi's anemia. Identifiers: Orphanet 84, MedGen C0015625, MeSH D005199, MONDO:0019391.
Fanconi anemia complementation group A (FANCA). Also called: FANCA-Related Fanconi Anemia; Fanconi anemia, group A. Identifiers: Orphanet 84, MedGen C3469521, MONDO:0009215, OMIM 227650.

Allele frequency attached by ClinVar (database versions not stated): ExAC below 0.00001; gnomAD exomes 0.00001 and 0.00004; TOPMed 0.00019; gnomAD 0.00021 and 0.00024.
gnomAD v4.1: 50 of 1,523,800 alleles (0.0033%); highest among the groups gnomAD compares: African/African-American, 0.066%; no homozygotes.

Submissions (8):

Labcorp Genetics (formerly Invitae), Labcorp
Classification: Benign for Fanconi anemia. Last evaluated: 2025-11-27. Review status: criteria provided, single submitter. Criteria: Invitae Variant Classification Sherloc (09022015). Collection method: clinical testing. Allele origin: germline.

GeneDx
Classification: Uncertain significance. Last evaluated: 2025-01-28. Review status: criteria provided, single submitter. Criteria: GeneDx Variant Classification Process June 2021. Collection method: clinical testing. Allele origin: germline. Affected: yes.
Comment: In silico analysis, which includes protein predictors and evolutionary conservation, supports that this variant does not alter protein structure/function; Has not been previously published as pathogenic or benign to our knowledge

Fulgent Genetics
Classification: Uncertain significance for Fanconi anemia complementation group A. Last evaluated: 2024-03-22. Review status: criteria provided, single submitter. Criteria: ACMG Guidelines, 2015. Collection method: clinical testing. Allele origin: germline.

Quest Diagnostics Nichols Institute San Juan Capistrano
Classification: Uncertain significance. Last evaluated: 2023-08-23. Review status: criteria provided, single submitter. Criteria: Quest Diagnostics criteria. Collection method: clinical testing. Allele origin: unknown.
Comment: To the best of our knowledge, this variant has not been reported in the published literature. The frequency of this variant in the general population, 0.0014 (16/11624 chromosomes in African/African American subpopulation (Genome Aggregation Database)), is higher than would generally be expected for pathogenic variants in this gene. Analysis of this variant using bioinformatics tools for the prediction of the effect of amino acid changes on protein structure and function yielded predictions that this variant is benign. Based on the available information, we are unable to determine the clinical significance of this variant.

St. Jude Molecular Pathology, St. Jude Children's Research Hospital
Classification: Uncertain significance for Fanconi anemia complementation group A. Last evaluated: 2022-07-12. Review status: criteria provided, single submitter. Criteria: St. Jude Assertion Criteria 2020. Collection method: clinical testing. Allele origin: germline.
Comment: The FANCA c.41A>G (p.Asp14Gly) missense change has maximum subpopulation frequency of 0.14% in gnomAD v2.1.1. The in silico tool REVEL predicts a benign effect on protein function, but to our knowledge this prediction has not been confirmed by functional studies. To our knowledge, this variant has not been reported in individuals with Fanconi anemia. In summary, the evidence currently available is insufficient to determine the clinical significance of this variant. It has therefore been classified as of uncertain significance.

Genetic Services Laboratory, University of Chicago
Classification: Uncertain significance. Last evaluated: 2017-07-12. Review status: criteria provided, single submitter. Criteria: ACMG Guidelines, 2015. Collection method: clinical testing. Allele origin: germline. Affected: no.

Natera, Inc.
Classification: Uncertain significance for Fanconi anemia. Last evaluated: 2020-08-03. Review status: no assertion criteria provided. Collection method: clinical testing. Allele origin: germline. Not counted in ClinVar's aggregate classification.

Counsyl
Classification: Uncertain significance for Fanconi anemia complementation group A. Last evaluated: 2016-12-28. Review status: no assertion criteria provided. Collection method: clinical testing. Allele origin: unknown. Not counted in ClinVar's aggregate classification.

NM_000135.4(FANCA):c.41A>G (p.Asp14Gly)

Genes: FANCA (FA complementation group A; minus strand), LOC112486223 (Sharpr-MPRA regulatory region 3988; plus strand). Cytogenetic location: 16q24.3.
Variant type: single nucleotide variant.
Coding change: c.41A>G on transcript NM_000135.4 (MANE Select); coding-DNA position 41, A replaced by G.
Protein change: p.Asp14Gly; replaces aspartic acid 14 with glycine.
Molecular consequence: missense variant.
Genome position (GRCh38, 1-based): chr16:89,816,575, T>C on the plus strand (A>G on the coding strand, the complement: FANCA is on the minus strand). VCF-style: chr16-89816575-T-C. GRCh37 (hg19) VCF-style: chr16-89882983-T-C.
Other names: c.41A>G, p.Asp14Gly (NM_001018112.3, NM_001286167.3, NM_001351830.2); c.41A>G (NM_000135.3, LRG_495t1); short protein forms D14G.
Identifiers: ClinVar variation 237054 (VCV000237054.22), dbSNP rs762648754, ClinGen allele CA8253266.